The following is an entry in ClinVar:

ClinVar aggregate classification (germline): Likely benign (1 of 4 stars; one submission).

Submission:

Center for Genomic Medicine, Rigshospitalet, Copenhagen University Hospital
Classification: Likely benign. Last evaluated: 2025-03-04. Review status: criteria provided, single submitter. Criteria: ACMG Guidelines, 2015. Collection method: clinical testing. Allele origin: germline.
Comment: Classification criteria: BP4

NM_000264.5(PTCH1):c.1603-49G>A

Gene: PTCH1 (patched 1; minus strand). Cytogenetic location: 9q22.32.
Variant type: single nucleotide variant.
Coding change: c.1603-49G>A on transcript NM_000264.5 (MANE Select); 49 bases into the intron before coding-DNA position 1603, G replaced by A.
Molecular consequence: intron variant.
Genome position (GRCh38, 1-based): chr9:95,476,208, C>T on the plus strand (G>A on the coding strand, the complement: PTCH1 is on the minus strand). VCF-style: chr9-95476208-C-T. GRCh37 (hg19) VCF-style: chr9-98238490-C-T.
Other names: c.1600-49G>A (NM_001083603.3); c.1405-49G>A (NM_001083602.3); c.1447-49G>A (NM_001354918.2); c.1150-49G>A (NM_001083605.3, NM_001083604.3, NM_001083606.3 and 1 more transcripts).
Identifiers: ClinVar variation 3765283 (VCV003765283.1).
Genomic context (GRCh38, chr9:95,476,208, plus strand): 5'-CCCGGTCCTGTCCTGGGAATAAAAAAACACAGCGCTGAGAGCTGCACTGGACATGGTCCC[C>T]TTGGAGCACAGACTGTGTGAGCAGATACGTGGCAGAATAACACAACTGTTATTACAGCTT-3'